The following is an entry in ClinVar:

ClinVar aggregate classification (germline): Uncertain significance (1 of 4 stars; one submission).

Conditions:
RASopathy. Also called: rasopathies; Noonan spectrum disorder. Identifiers: Orphanet 536391, MedGen C5555857, MONDO:0021060.

gnomAD v4.1: 4 of 1,613,728 alleles (0.00025%); highest among the groups gnomAD compares: Non-Finnish European, 0.00025%; no homozygotes.

Submission:

Labcorp Genetics (formerly Invitae), Labcorp
Classification: Uncertain significance for RASopathy. Last evaluated: 2024-10-22. Review status: criteria provided, single submitter. Criteria: Invitae Variant Classification Sherloc (09022015). Collection method: clinical testing. Allele origin: germline.
Comment: This sequence change replaces alanine, which is neutral and non-polar, with glycine, which is neutral and non-polar, at codon 75 of the PTPN11 protein (p.Ala75Gly). This variant is present in population databases (no rsID available, gnomAD 0.0009%). This variant has not been reported in the literature in individuals affected with PTPN11-related conditions. Invitae Evidence Modeling of protein sequence and biophysical properties (such as structural, functional, and spatial information, amino acid conservation, physicochemical variation, residue mobility, and thermodynamic stability) indicates that this missense variant is expected to disrupt PTPN11 protein function with a positive predictive value of 95%. Algorithms developed to predict the effect of sequence changes on RNA splicing suggest that this variant may create or strengthen a splice site. In summary, the available evidence is currently insufficient to determine the role of this variant in disease. Therefore, it has been classified as a Variant of Uncertain Significance.

NM_002834.5(PTPN11):c.224C>G (p.Ala75Gly)

Gene: PTPN11 (protein tyrosine phosphatase non-receptor type 11; plus strand). Cytogenetic location: 12q24.13.
Variant type: single nucleotide variant.
Coding change: c.224C>G on transcript NM_002834.5 (MANE Select); coding-DNA position 224, C replaced by G.
Protein change: p.Ala75Gly; replaces alanine 75 with glycine.
Molecular consequence: missense variant.
Genome position (GRCh38, 1-based): chr12:112,450,404, C>G. VCF-style: chr12-112450404-C-G. GRCh37 (hg19) VCF-style: chr12-112888208-C-G.
Other names: c.224C>G, p.Ala75Gly (NM_001330437.2, NM_080601.3); c.221C>G, p.Ala74Gly (NM_001374625.1); short protein forms A74G, A75G.
Identifiers: ClinVar variation 3706355 (VCV003706355.2).